The following is an entry in ClinVar:

ClinVar aggregate classification (germline): Uncertain significance (0 of 4 stars; one submission).

Submission:

ISCA site 1
Classification: Uncertain significance. Last evaluated: 2018-02-09. Review status: no assertion criteria provided. Collection method: clinical testing. Allele origin: maternal. Affected: yes. Observed: 1 variant allele.
Comment: Copy number variation identified through the course of routine clinical cytogenomic testing in postnatal populations, with clinical assertions as classified by the original submitter. For data from the original published study, Kaminsky, et al. 2011 (PubMed 21844811), please see nstd101.

GRCh38/hg38 Xq21.1(chrX:77902592-78039013)x1

Genes: ATP7A (ATPase copper transporting alpha; plus strand), COX7B (cytochrome c oxidase subunit 7B; plus strand), PGAM4 (phosphoglycerate mutase family member 4; minus strand). Cytogenetic location: Xq21.1.
Variant type: copy number loss.
Change: copy number 1 of chrX:77,902,592-78,039,013 (136.4 kb, GRCh38 coordinates, 1-based), cytogenetic band Xq21.1.
Identifiers: ClinVar variation 146338 (VCV000146338.3).